The following is an entry in ClinVar:

NM_004448.4(ERBB2):c.1930G>A (p.Ala644Thr)

Gene: ERBB2 (erb-b2 receptor tyrosine kinase 2; plus strand). Cytogenetic location: 17q12.
Variant type: single nucleotide variant.
Coding change: c.1930G>A on transcript NM_004448.4 (MANE Select); coding-DNA position 1930, G replaced by A.
Protein change: p.Ala644Thr; replaces alanine 644 with threonine.
Molecular consequence: missense variant. On other transcripts: non-coding transcript variant (1), intron variant (3).
Genome position (GRCh38, 1-based): chr17:39,719,818, G>A. VCF-style: chr17-39719818-G-A. GRCh37 (hg19) VCF-style: chr17-37876071-G-A.
Other names: c.1840G>A, p.Ala614Thr (NM_001005862.3, NM_001382782.1, NM_001382783.1); c.1885G>A, p.Ala629Thr (NM_001289936.2); c.1930G>A, p.Ala644Thr (NM_001289937.2, NM_001382792.1, NM_001382793.1 and 7 more transcripts); c.2047G>A, p.Ala683Thr (NM_001382784.1, NM_001382786.1); c.2032G>A, p.Ala678Thr (NM_001382785.1); c.2005G>A, p.Ala669Thr (NM_001382787.1); c.1960G>A, p.Ala654Thr (NM_001382788.1); c.1951G>A, p.Ala651Thr (NM_001382789.1); and 8 more; short protein forms A584T, A654T, A558T, A641T, A651T, A678T, A614T, A643T.
Identifiers: ClinVar variation 3709276 (VCV003709276.4).

ClinVar aggregate classification (germline): Conflicting classifications of pathogenicity. Review status: criteria provided, conflicting classifications (1 of 4 stars). 3 submissions from 3 submitters: Uncertain significance (2); Likely benign (1). Last evaluated 2026-07-01.

gnomAD v4.1: 24 of 1,614,110 alleles (0.0015%); highest among the groups gnomAD compares: African/African-American, 0.0027%; no homozygotes.

Submissions (3):

CeGaT Center for Human Genetics Tuebingen
Classification: Likely benign. Last evaluated: 2026-07-01. Review status: criteria provided, single submitter. Criteria: CeGaT Center For Human Genetics Tuebingen Variant Classification Criteria Version 2. Collection method: clinical testing. Allele origin: germline. Affected: yes. Observed: 1 variant allele.
Comment: ERBB2: BP4

Ambry Genetics
Classification: Uncertain significance. Last evaluated: 2025-02-07. Review status: criteria provided, single submitter. Criteria: Ambry Variant Classification Scheme 2023. Collection method: clinical testing. Allele origin: germline.

Labcorp Genetics (formerly Invitae), Labcorp
Classification: Uncertain significance. Last evaluated: 2024-08-06. Review status: criteria provided, single submitter. Criteria: Invitae Variant Classification Sherloc (09022015). Collection method: clinical testing. Allele origin: germline.
Comment: This sequence change replaces alanine, which is neutral and non-polar, with threonine, which is neutral and polar, at codon 644 of the ERBB2 protein (p.Ala644Thr). This variant is present in population databases (rs750665964, gnomAD 0.004%). This variant has not been reported in the literature in individuals affected with ERBB2-related conditions. Advanced modeling of protein sequence and biophysical properties (such as structural, functional, and spatial information, amino acid conservation, physicochemical variation, residue mobility, and thermodynamic stability) performed at Invitae indicates that this missense variant is not expected to disrupt ERBB2 protein function with a negative predictive value of 80%. In summary, the available evidence is currently insufficient to determine the role of this variant in disease. Therefore, it has been classified as a Variant of Uncertain Significance.